The following is an entry in ClinVar:

NM_001160148.2(DDHD1):c.643G>A (p.Val215Met)

Gene: DDHD1 (DDHD domain containing 1; minus strand). Cytogenetic location: 14q22.1.
Variant type: single nucleotide variant.
Coding change: c.643G>A on transcript NM_001160148.2 (MANE Select); coding-DNA position 643, G replaced by A.
Protein change: p.Val215Met; replaces valine 215 with methionine.
Molecular consequence: missense variant.
Genome position (GRCh38, 1-based): chr14:53,152,456, C>T on the plus strand (G>A on the coding strand, the complement: DDHD1 is on the minus strand). VCF-style: chr14-53152456-C-T. GRCh37 (hg19) VCF-style: chr14-53619174-C-T.
Other names: c.643G>A, p.Val215Met (NM_001160147.2, NM_030637.3); short protein forms V215M.
Identifiers: ClinVar variation 1918885 (VCV001918885.5), dbSNP rs1166887752, ClinGen allele CA389780308.

ClinVar aggregate classification (germline): Uncertain significance (1 of 4 stars; one submission).

Conditions:
Hereditary spastic paraplegia 28. Also called: Spastic paraplegia 28, autosomal recessive. Identifiers: Orphanet 101008, MedGen C1836295, MONDO:0012256, OMIM 609340.

Allele frequency attached by ClinVar (database versions not stated): gnomAD exomes below 0.00001; gnomAD 0.00001.
gnomAD v4.1: 6 of 1,613,290 alleles (0.00037%); highest among the groups gnomAD compares: Middle Eastern, 0.017%; no homozygotes.

Submission:

Labcorp Genetics (formerly Invitae), Labcorp
Classification: Uncertain significance for Hereditary spastic paraplegia 28. Last evaluated: 2022-10-17. Review status: criteria provided, single submitter. Criteria: Invitae Variant Classification Sherloc (09022015). Collection method: clinical testing. Allele origin: germline.
Comment: In summary, the available evidence is currently insufficient to determine the role of this variant in disease. Therefore, it has been classified as a Variant of Uncertain Significance. Algorithms developed to predict the effect of missense changes on protein structure and function (SIFT, PolyPhen-2, Align-GVGD) all suggest that this variant is likely to be tolerated. This variant has not been reported in the literature in individuals affected with DDHD1-related conditions. This variant is not present in population databases (gnomAD no frequency). This sequence change replaces valine, which is neutral and non-polar, with methionine, which is neutral and non-polar, at codon 215 of the DDHD1 protein (p.Val215Met).